The following is an entry in ClinVar:

ClinVar aggregate classification (germline): Benign/Likely benign. Review status: criteria provided, multiple submitters, no conflicts (2 of 4 stars). 8 submissions from 8 submitters: Benign (2); Likely benign (4). 2 of the submissions do not count toward it. Last evaluated 2026-08-01.

Conditions:
Weill-Marchesani syndrome. Also called: WM Syndrome; Mesodermal dysmorphodystrophy congenital. Identifiers: Orphanet 3449, MedGen C0265313, MONDO:0018096.

Allele frequency attached by ClinVar (database versions not stated): ESP Exome Variant Server 0.00500; 1000 Genomes Project 0.00200; 1000 Genomes Project 30x 0.00219; TOPMed 0.00428; gnomAD 0.00463.
gnomAD v4.1: 8,980 of 1,612,584 alleles (0.56%); highest among the groups gnomAD compares: Non-Finnish European, 0.68%; 43 homozygotes.

Submissions (8):

CeGaT Center for Human Genetics Tuebingen
Classification: Likely benign. Last evaluated: 2026-08-01. Review status: criteria provided, single submitter. Criteria: CeGaT Center For Human Genetics Tuebingen Variant Classification Criteria Version 2. Collection method: clinical testing. Allele origin: germline. Affected: yes. Observed: 10 variant alleles.
Comment: ADAMTS10: BP4, BP7, BS2

Labcorp Genetics (formerly Invitae), Labcorp
Classification: Benign. Last evaluated: 2026-02-04. Review status: criteria provided, single submitter. Criteria: Invitae Variant Classification Sherloc (09022015). Collection method: clinical testing. Allele origin: germline.

Mayo Clinic Laboratories, Mayo Clinic
Classification: Benign. Last evaluated: 2023-08-17. Review status: criteria provided, single submitter. Criteria: ACMG Guidelines, 2015. Collection method: clinical testing. Allele origin: germline. Observed: 4 variant alleles.
Comment: BS1, BS2, BP4, BP7

Illumina Laboratory Services, Illumina
Classification: Likely benign for Weill-Marchesani syndrome. Last evaluated: 2018-01-13. Review status: criteria provided, single submitter. Criteria: ICSL Variant Classification Criteria 13 December 2019. Collection method: clinical testing. Allele origin: germline.
Comment: This variant was observed in the ICSL laboratory as part of a predisposition screen in an ostensibly healthy population. It had not been previously curated by ICSL or reported in the Human Gene Mutation Database (HGMD: prior to June 1st, 2018), and was therefore a candidate for classification through an automated scoring system. Utilizing variant allele frequency, disease prevalence and penetrance estimates, and inheritance mode, an automated score was calculated to assess if this variant is too frequent to cause the disease. Based on the score and internal cut-off values, a variant classified as likely benign is not then subjected to further curation. The score for this variant resulted in a classification of likely benign for this disease.

Center for Pediatric Genomic Medicine, Children's Mercy Hospital and Clinics
Classification: Likely benign. Last evaluated: 2016-02-02. Review status: criteria provided, single submitter. Criteria: ACMG Guidelines, 2015. Collection method: clinical testing. Allele origin: germline.
ClinVar note: Converted during submission from Likely Benign to Likely benign.

Breakthrough Genomics
Classification: Likely benign. Review status: criteria provided, single submitter. Criteria: ACMG Guidelines, 2015. Collection method: not provided. Allele origin: germline. Inheritance: Autosomal recessive inheritance. Affected: yes.

Clinical Genetics DNA and cytogenetics Diagnostics Lab, Erasmus MC, Erasmus Medical Center
Classification: Likely benign. Review status: no assertion criteria provided. Collection method: clinical testing. Allele origin: germline. Affected: yes. Study: VKGL Data-share Consensus. Not counted in ClinVar's aggregate classification.

Laboratory of Diagnostic Genome Analysis, Leiden University Medical Center (LUMC)
Classification: Likely benign. Review status: no assertion criteria provided. Collection method: clinical testing. Allele origin: germline. Affected: yes. Study: VKGL Data-share Consensus. Not counted in ClinVar's aggregate classification.

NM_030957.4(ADAMTS10):c.2157C>G (p.Ala719=)

Gene: ADAMTS10 (ADAM metallopeptidase with thrombospondin type 1 motif 10; minus strand). Cytogenetic location: 19p13.2.
Variant type: single nucleotide variant.
Coding change: c.2157C>G on transcript NM_030957.4 (MANE Select); coding-DNA position 2157, C replaced by G.
Protein change: p.Ala719=; no amino-acid change (alanine 719 retained).
Molecular consequence: synonymous variant.
Genome position (GRCh38, 1-based): chr19:8,589,243, G>C on the plus strand (C>G on the coding strand, the complement: ADAMTS10 is on the minus strand). VCF-style: chr19-8589243-G-C. GRCh37 (hg19) VCF-style: chr19-8654127-G-C.
Other names: p.Ala719=; c.618C>G, p.Ala206= (NM_001282352.2).
Identifiers: ClinVar variation 235214 (VCV000235214.48), dbSNP rs150468696, ClinGen allele CA9160204.
Genomic context (GRCh38, chr19:8,589,243, plus strand): 5'-TCCACCTGCAGTCAGCTGGCCCATGCAGGGAGTGTGGGAGGGAAGCTGGAGACTCTCACC[G>C]GCCCCAGGTGAGGCTGGGCTGAAGACGCCCTCGATGGTCTCGCAGGCACTGCCGTCACCG-3'
Protein context (NP_112219.3, residues 709-729): EGVFSPASPG[Ala719=]GYEDVVWIPK